The following is an entry in ClinVar:

NM_007194.4(CHEK2):c.1051_1062del (p.Glu351_Leu354del)

Gene: CHEK2 (checkpoint kinase 2; minus strand). Cytogenetic location: 22q12.1.
Variant type: Deletion.
Coding change: c.1051_1062del on transcript NM_007194.4 (MANE Select); coding-DNA positions 1051 to 1062, 12 bases deleted (GAGAATGTTTTA).
Protein change: p.Glu351_Leu354del.
Molecular consequence: inframe deletion. On other transcripts: intron variant (3).
Genome position (GRCh38, 1-based): chr22:28,696,934-28,696,945, TAAAACATTCTC deleted on the plus strand (GAGAATGTTTTA on the coding strand, the reverse complement: CHEK2 is on the minus strand); deleting any 12 consecutive bases within chr22:28,696,934-28,696,946 gives the same sequence; the c. name uses the placement nearest the transcript's 3' end. VCF-style (leftmost placement, unchanged base first): chr22-28696933-GTAAAACATTCTC-G. GRCh37 (hg19) VCF-style: chr22-29092921-GTAAAACATTCTC-G.
Other names: c.1180_1191del, p.Glu394_Leu397del (NM_001005735.3); c.388_399del, p.Glu130_Leu133del (NM_001257387.3, NM_001437942.1); c.850_861del, p.Glu284_Leu287del (NM_001349956.3); c.1144_1155del, p.Glu382_Leu385del (NM_001438293.1); c.1009-1072_1009-1061del (NM_145862.3); c.1102-1072_1102-1061del (NM_001438295.1); c.1138-1072_1138-1061del (NM_001438294.1).
Identifiers: ClinVar variation 1777126 (VCV001777126.2), dbSNP rs2517821246, ClinGen allele CA2580099562.

ClinVar aggregate classification (germline): Uncertain significance (1 of 4 stars; one submission).

Conditions:
Hereditary cancer-predisposing syndrome. Also called: Neoplastic Syndromes, Hereditary; Tumor predisposition; Hereditary Cancer Syndrome; Hereditary neoplastic syndrome. Identifiers: Orphanet 140162, MedGen C0027672, MeSH D009386, MONDO:0015356.

Submission:

Ambry Genetics
Classification: Uncertain significance for Hereditary cancer-predisposing syndrome. Last evaluated: 2020-06-09. Review status: criteria provided, single submitter. Criteria: Ambry Variant Classification Scheme 2023. Collection method: clinical testing. Allele origin: germline.
Comment: The c.1051_1062del12 variant (also known as p.E351_L354del) is located in coding exon 9 of the CHEK2 gene. This variant results from an in-frame deletion of 12 nucleotides at positions 1051 to 1062. This results in the in-frame deletion of 4 amino acids between codons 351 and 354. This amino acid region is highly conserved in available vertebrate species. In addition, this alteration is predicted to be deleterious by in silico analysis (Choi Y et al. PLoS ONE. 2012; 7(10):e46688). Since supporting evidence is limited at this time, the clinical significance of this alteration remains unclear.